The following is an entry in ClinVar:

ClinVar aggregate classification (germline): Uncertain significance. Review status: criteria provided, multiple submitters, no conflicts (2 of 4 stars). 3 submissions from 3 submitters: Uncertain significance (3). Last evaluated 2025-05-05.

Conditions:
Inborn genetic diseases. Identifiers: MedGen C0950123, MeSH D030342.

Allele frequency attached by ClinVar (database versions not stated): ExAC 0.00002; gnomAD 0.00003; TOPMed 0.00005; ESP Exome Variant Server 0.00015.
gnomAD v4.1: 4 of 1,613,962 alleles (0.00025%); highest among the groups gnomAD compares: African/African-American, 0.0053%; no homozygotes.

Submissions (3):

Ambry Genetics
Classification: Uncertain significance for Inborn genetic diseases. Last evaluated: 2025-05-05. Review status: criteria provided, single submitter. Criteria: Ambry Variant Classification Scheme 2023. Collection method: clinical testing. Allele origin: germline.

Labcorp Genetics (formerly Invitae), Labcorp
Classification: Uncertain significance. Last evaluated: 2023-11-17. Review status: criteria provided, single submitter. Criteria: Invitae Variant Classification Sherloc (09022015). Collection method: clinical testing. Allele origin: germline.
Comment: This sequence change replaces alanine, which is neutral and non-polar, with valine, which is neutral and non-polar, at codon 210 of the KLHL7 protein (p.Ala210Val). This variant is present in population databases (rs145479724, gnomAD 0.02%). This variant has not been reported in the literature in individuals affected with KLHL7-related conditions. An algorithm developed to predict the effect of missense changes on protein structure and function (PolyPhen-2) suggests that this variant is likely to be disruptive. In summary, the available evidence is currently insufficient to determine the role of this variant in disease. Therefore, it has been classified as a Variant of Uncertain Significance.

Blueprint Genetics
Classification: Uncertain significance. Last evaluated: 2020-08-12. Review status: criteria provided, single submitter. Criteria: ACMG Guidelines, 2015. Collection method: clinical testing. Allele origin: germline.

NM_001031710.3(KLHL7):c.629C>T (p.Ala210Val)

Gene: KLHL7 (kelch like family member 7; plus strand). Cytogenetic location: 7p15.3.
Variant type: single nucleotide variant.
Coding change: c.629C>T on transcript NM_001031710.3 (MANE Select); coding-DNA position 629, C replaced by T.
Protein change: p.Ala210Val; replaces alanine 210 with valine.
Molecular consequence: missense variant. On other transcripts: non-coding transcript variant (1).
Genome position (GRCh38, 1-based): chr7:23,143,861, C>T. VCF-style: chr7-23143861-C-T. GRCh37 (hg19) VCF-style: chr7-23183480-C-T.
Other names: c.629C>T (NM_001031710.2); c.485C>T, p.Ala162Val (NM_018846.5); short protein forms A210V, A162V.
Identifiers: ClinVar variation 2750915 (VCV002750915.5), dbSNP rs145479724, ClinGen allele CA4186469.